The following is an entry in ClinVar:

ClinVar aggregate classification (germline): Benign/Likely benign. Review status: criteria provided, multiple submitters, no conflicts (2 of 4 stars). 3 submissions from 3 submitters: Benign (1); Likely benign (2). Last evaluated 2026-06-17.

Conditions:
Polyps, multiple and recurrent inflammatory fibroid, gastrointestinal. Identifiers: MedGen C5193005, MONDO:0008285, OMIM 175510.
Hereditary cancer-predisposing syndrome. Also called: Neoplastic Syndromes, Hereditary; Hereditary Cancer Syndrome; Hereditary neoplastic syndrome; Tumor predisposition. Identifiers: Orphanet 140162, MedGen C0027672, MeSH D009386, MONDO:0015356.
Gastrointestinal stromal tumor. Also called: Gastrointestinal stromal tumor, somatic; Gastrointestinal stroma tumor. Identifiers: Orphanet 44890, MedGen C0238198, MeSH D046152, MONDO:0011719, OMIM 606764, HP:0100723.

Allele frequency attached by ClinVar (database versions not stated): gnomAD exomes below 0.00001.
gnomAD v4.1: 2 of 1,593,780 alleles (0.00013%); highest among the groups gnomAD compares: Non-Finnish European, 0.00017%; no homozygotes.

Submissions (3):

Myriad Genetics, Inc.
Classification: Benign for Polyps, multiple and recurrent inflammatory fibroid, gastrointestinal. Last evaluated: 2026-06-17. Review status: criteria provided, single submitter. Criteria: Myriad Autosomal Dominant, Autosomal Recessive and X-Linked Classification Criteria (2023). Collection method: clinical testing. Allele origin: unknown.
Comment: This variant is considered benign. This variant is a silent/synonymous amino acid change and it is not expected to impact splicing.

Labcorp Genetics (formerly Invitae), Labcorp
Classification: Likely benign for Gastrointestinal stromal tumor. Last evaluated: 2025-01-11. Review status: criteria provided, single submitter. Criteria: Invitae Variant Classification Sherloc (09022015). Collection method: clinical testing. Allele origin: germline.

Ambry Genetics
Classification: Likely benign for Hereditary cancer-predisposing syndrome. Last evaluated: 2019-06-13. Review status: criteria provided, single submitter. Criteria: Ambry Variant Classification Scheme 2023. Collection method: clinical testing. Allele origin: germline.

NM_006206.6(PDGFRA):c.2385G>A (p.Leu795=)

Gene: PDGFRA (platelet derived growth factor receptor alpha; plus strand). Cytogenetic location: 4q12.
Variant type: single nucleotide variant.
Coding change: c.2385G>A on transcript NM_006206.6 (MANE Select); coding-DNA position 2385, G replaced by A.
Protein change: p.Leu795=; no amino-acid change (leucine 795 retained).
Molecular consequence: synonymous variant.
Genome position (GRCh38, 1-based): chr4:54,285,432, G>A. VCF-style: chr4-54285432-G-A. GRCh37 (hg19) VCF-style: chr4-55151599-G-A.
Other names: c.2460G>A, p.Leu820= (NM_001347828.2); c.2385G>A, p.Leu795= (NM_001347829.2); c.2424G>A, p.Leu808= (NM_001347830.2).
Identifiers: ClinVar variation 821187 (VCV000821187.13), dbSNP rs1344944929, ClinGen allele CA439287692.